The following is an entry in ClinVar:

NM_138386.3(NAF1):c.1379C>G (p.Pro460Arg)

Gene: NAF1 (nuclear assembly factor 1 ribonucleoprotein; minus strand). Cytogenetic location: 4q32.2.
Variant type: single nucleotide variant.
Coding change: c.1379C>G on transcript NM_138386.3 (MANE Select); coding-DNA position 1379, C replaced by G.
Protein change: p.Pro460Arg; replaces proline 460 with arginine.
Molecular consequence: missense variant. On other transcripts: intron variant (1).
Genome position (GRCh38, 1-based): chr4:163,129,003, G>C on the plus strand (C>G on the coding strand, the complement: NAF1 is on the minus strand). VCF-style: chr4-163129003-G-C. GRCh37 (hg19) VCF-style: chr4-164050155-G-C.
Other names: p.Pro460Arg; c.1034-1888C>G (NM_001128931.2); c.1379C>G (NM_138386.2); short protein forms P460R.
Identifiers: ClinVar variation 2150418 (VCV002150418.10), dbSNP rs778042759, ClinGen allele CA3126112.

ClinVar aggregate classification (germline): Conflicting classifications of pathogenicity. Review status: criteria provided, conflicting classifications (1 of 4 stars). 5 submissions from 5 submitters: Uncertain significance (3); Likely benign (2). Last evaluated 2025-07-14.

Allele frequency attached by ClinVar (database versions not stated): TOPMed 0.00011; gnomAD 0.00013; gnomAD exomes 0.00017; ExAC 0.00030.
gnomAD v4.1: 257 of 1,539,590 alleles (0.017%); highest among the groups gnomAD compares: Non-Finnish European, 0.022%; no homozygotes.

Submissions (5):

Labcorp Genetics (formerly Invitae), Labcorp
Classification: Uncertain significance. Last evaluated: 2025-07-14. Review status: criteria provided, single submitter. Criteria: Invitae Variant Classification Sherloc (09022015). Collection method: clinical testing. Allele origin: germline.
Comment: This sequence change replaces proline, which is neutral and non-polar, with arginine, which is basic and polar, at codon 460 of the NAF1 protein (p.Pro460Arg). This variant is present in population databases (rs778042759, gnomAD 0.03%). This variant has not been reported in the literature in individuals affected with NAF1-related conditions. ClinVar contains an entry for this variant (Variation ID: 2150418). An algorithm developed to predict the effect of missense changes on protein structure and function (PolyPhen-2) suggests that this variant is likely to be disruptive. In summary, the available evidence is currently insufficient to determine the role of this variant in disease. Therefore, it has been classified as a Variant of Uncertain Significance.

Ambry Genetics
Classification: Uncertain significance. Last evaluated: 2025-04-18. Review status: criteria provided, single submitter. Criteria: Ambry Variant Classification Scheme 2023. Collection method: clinical testing. Allele origin: germline.

Laboratory of Genetics, Children's Clinical University Hospital Latvia
Classification: Likely benign. Last evaluated: 2025-02-16. Review status: criteria provided, single submitter. Criteria: ACMG Guidelines, 2015. Collection method: clinical testing. Allele origin: germline. Affected: yes.

Mayo Clinic Laboratories, Mayo Clinic
Classification: Uncertain significance. Last evaluated: 2023-10-20. Review status: criteria provided, single submitter. Criteria: ACMG Guidelines, 2015. Collection method: clinical testing. Allele origin: germline. Observed: 1 variant allele.
Comment: BP4

Blueprint Genetics
Classification: Likely benign. Last evaluated: 2022-08-09. Review status: criteria provided, single submitter. Criteria: ACMG Guidelines, 2015. Collection method: clinical testing. Allele origin: germline.